The following is an entry in ClinVar:

NM_001130004.2(ACTN1):c.2042A>G (p.Tyr681Cys)

Gene: ACTN1 (actinin alpha 1; minus strand). Cytogenetic location: 14q24.1.
Variant type: single nucleotide variant.
Coding change: c.2042A>G on transcript NM_001130004.2 (MANE Select); coding-DNA position 2042, A replaced by G.
Protein change: p.Tyr681Cys; replaces tyrosine 681 with cysteine.
Molecular consequence: missense variant.
Genome position (GRCh38, 1-based): chr14:68,880,901, T>C on the plus strand (A>G on the coding strand, the complement: ACTN1 is on the minus strand). VCF-style: chr14-68880901-T-C. GRCh37 (hg19) VCF-style: chr14-69347618-T-C.
Other names: c.2042A>G, p.Tyr681Cys (NM_001102.4, NM_001130005.2, NM_001424012.1 and 2 more transcripts); c.2066A>G, p.Tyr689Cys (NM_001411035.1, NM_001424016.1); c.1847A>G, p.Tyr616Cys (NM_001411036.1, NM_001424026.1, NM_001424028.1); c.2168A>G, p.Tyr723Cys (NM_001424013.1); c.2129A>G, p.Tyr710Cys (NM_001424015.1); c.2039A>G, p.Tyr680Cys (NM_001424017.1); c.2003A>G, p.Tyr668Cys (NM_001424018.1); c.1859A>G, p.Tyr620Cys (NM_001424019.1, NM_001424024.1, NM_001424025.1 and 2 more transcripts); and 3 more; short protein forms Y680C, Y710C, Y658C, Y668C, Y689C, Y406C, Y620C, Y681C.
Identifiers: ClinVar variation 2831956 (VCV002831956.3), dbSNP rs1175921002, ClinGen allele CA390182075.

ClinVar aggregate classification (germline): Uncertain significance (1 of 4 stars; one submission).

Allele frequency attached by ClinVar (database versions not stated): gnomAD exomes below 0.00001.
gnomAD v4.1: 2 of 1,614,050 alleles (0.00012%); highest among the groups gnomAD compares: South Asian, 0.0011%; no homozygotes.

Submission:

Labcorp Genetics (formerly Invitae), Labcorp
Classification: Uncertain significance. Last evaluated: 2023-04-03. Review status: criteria provided, single submitter. Criteria: Invitae Variant Classification Sherloc (09022015). Collection method: clinical testing. Allele origin: germline.
Comment: This variant has not been reported in the literature in individuals affected with ACTN1-related conditions. Advanced modeling of protein sequence and biophysical properties (such as structural, functional, and spatial information, amino acid conservation, physicochemical variation, residue mobility, and thermodynamic stability) has been performed at Invitae for this missense variant, however the output from this modeling did not meet the statistical confidence thresholds required to predict the impact of this variant on ACTN1 protein function. In summary, the available evidence is currently insufficient to determine the role of this variant in disease. Therefore, it has been classified as a Variant of Uncertain Significance. This sequence change replaces tyrosine, which is neutral and polar, with cysteine, which is neutral and slightly polar, at codon 681 of the ACTN1 protein (p.Tyr681Cys). This variant is present in population databases (no rsID available, gnomAD 0.007%).